The following is an entry in ClinVar:

ClinVar aggregate classification (germline): Uncertain significance. Review status: criteria provided, multiple submitters, no conflicts (2 of 4 stars). 2 submissions from 2 submitters: Uncertain significance (2). Last evaluated 2025-11-29.

Conditions:
Inborn genetic diseases. Identifiers: MedGen C0950123, MeSH D030342.
Acute myeloid leukemia (AML). Also called: Acute myeloid leukemia, adult; AML adult; Acute non-lymphocytic leukemia; Acute granulocytic leukemia; Leukemia, acute myelogenous, somatic; Leukemia, acute myeloid, somatic. Identifiers: Orphanet 519, MedGen C0023467, MeSH D015470, MONDO:0018874, OMIM 601626, HP:0004808. Disease mechanism: Constitutively activated FLT3.

Allele frequency attached by ClinVar (database versions not stated): gnomAD 0.00001; TOPMed 0.00002.

Submissions (2):

Ambry Genetics
Classification: Uncertain significance for Inborn genetic diseases. Last evaluated: 2025-11-29. Review status: criteria provided, single submitter. Criteria: Ambry Variant Classification Scheme 2023. Collection method: clinical testing. Allele origin: germline.
Comment: The p.D107Y variant (also known as c.319G>T), located in coding exon 1 of the CEBPA gene, results from a G to T substitution at nucleotide position 319. The aspartic acid at codon 107 is replaced by tyrosine, an amino acid with highly dissimilar properties. This amino acid position is conserved. In addition, this alteration is predicted to be tolerated by in silico analysis. Based on the available evidence, the clinical significance of this variant remains unclear.

Labcorp Genetics (formerly Invitae), Labcorp
Classification: Uncertain significance for Acute myeloid leukemia. Last evaluated: 2023-02-15. Review status: criteria provided, single submitter. Criteria: Invitae Variant Classification Sherloc (09022015). Collection method: clinical testing. Allele origin: germline.
Comment: This sequence change replaces aspartic acid, which is acidic and polar, with tyrosine, which is neutral and polar, at codon 107 of the CEBPA protein (p.Asp107Tyr). This variant is not present in population databases (gnomAD no frequency). This variant has not been reported in the literature in individuals affected with CEBPA-related conditions. ClinVar contains an entry for this variant (Variation ID: 1003789). Advanced modeling of protein sequence and biophysical properties (such as structural, functional, and spatial information, amino acid conservation, physicochemical variation, residue mobility, and thermodynamic stability) performed at Invitae indicates that this missense variant is not expected to disrupt CEBPA protein function. In summary, the available evidence is currently insufficient to determine the role of this variant in disease. Therefore, it has been classified as a Variant of Uncertain Significance.

NM_004364.5(CEBPA):c.319G>T (p.Asp107Tyr)

Gene: CEBPA (CCAAT enhancer binding protein alpha; minus strand). Cytogenetic location: 19q13.11.
Variant type: single nucleotide variant.
Coding change: c.319G>T on transcript NM_004364.5 (MANE Select); coding-DNA position 319, G replaced by T.
Protein change: p.Asp107Tyr; replaces aspartic acid 107 with tyrosine.
Molecular consequence: missense variant. On other transcripts: 5 prime UTR variant (1).
Genome position (GRCh38, 1-based): chr19:33,302,096, C>A on the plus strand (G>T on the coding strand, the complement: CEBPA is on the minus strand). VCF-style: chr19-33302096-C-A. GRCh37 (hg19) VCF-style: chr19-33793002-C-A.
Other names: c.-39G>T (NM_001285829.2); c.424G>T, p.Asp142Tyr (NM_001287424.2); c.277G>T, p.Asp93Tyr (NM_001287435.2); c.319G>T (NM_004364.3); short protein forms D142Y, D93Y, D107Y.
Identifiers: ClinVar variation 1003789 (VCV001003789.10), dbSNP rs1158593564, ClinGen allele CA405275199.
Genomic context (GRCh38, chr19:33,302,096, plus strand): 5'-GCCCGTGCGCTCCCCCGGGCATGACGGCGCCGCCGGGGCCCGCGGGCGCGCCCGGGTAGT[C>A]AAAGTCGCCGCCGCCGCCGCCGCCCGTGGGGCCCACGGCCGCCTTGGCCTTCTCCTGCTG-3'
Protein context (NP_004355.2, residues 97-117): PTGGGGGGDF[Asp107Tyr]YPGAPAGPGG